The following is an entry in ClinVar:

NM_004369.4(COL6A3):c.8680A>G (p.Thr2894Ala)

Gene: COL6A3 (collagen type VI alpha 3 chain; minus strand). Cytogenetic location: 2q37.3.
Variant type: single nucleotide variant.
Coding change: c.8680A>G on transcript NM_004369.4 (MANE Select); coding-DNA position 8680, A replaced by G.
Protein change: p.Thr2894Ala; replaces threonine 2894 with alanine.
Molecular consequence: missense variant.
Genome position (GRCh38, 1-based): chr2:237,336,420, T>C on the plus strand (A>G on the coding strand, the complement: COL6A3 is on the minus strand). VCF-style: chr2-237336420-T-C. GRCh37 (hg19) VCF-style: chr2-238245063-T-C.
Other names: p.Thr2894Ala; c.6859A>G, p.Thr2287Ala (NM_057166.5); c.8062A>G, p.Thr2688Ala (NM_057167.4); short protein forms T2287A, T2688A, T2894A.
Identifiers: ClinVar variation 2682822 (VCV002682822.1), dbSNP rs1700550272, ClinGen allele CA351191861.

ClinVar aggregate classification (germline): Uncertain significance (1 of 4 stars; one submission).

Allele frequency attached by ClinVar (database versions not stated): gnomAD exomes below 0.00001; gnomAD 0.00001.
gnomAD v4.1: 5 of 1,613,444 alleles (0.00031%); highest among the groups gnomAD compares: Non-Finnish European, 0.00042%; no homozygotes.

Submission:

Mayo Clinic Laboratories, Mayo Clinic
Classification: Uncertain significance. Last evaluated: 2023-02-21. Review status: criteria provided, single submitter. Criteria: ACMG Guidelines, 2015. Collection method: clinical testing. Allele origin: germline. Observed: 1 variant allele.
Comment: BP4, PM2